The following is an entry in ClinVar:

NM_000318.3(PEX2):c.275A>C (p.Asn92Thr)

Gene: PEX2 (peroxisomal biogenesis factor 2; minus strand). Cytogenetic location: 8q21.13.
Variant type: single nucleotide variant.
Coding change: c.275A>C on transcript NM_000318.3 (MANE Select); coding-DNA position 275, A replaced by C.
Protein change: p.Asn92Thr; replaces asparagine 92 with threonine.
Molecular consequence: missense variant.
Genome position (GRCh38, 1-based): chr8:76,983,904, T>G on the plus strand (A>C on the coding strand, the complement: PEX2 is on the minus strand). VCF-style: chr8-76983904-T-G. GRCh37 (hg19) VCF-style: chr8-77896140-T-G.
Other names: c.275A>C, p.Asn92Thr (NM_001079867.2, NM_001172086.2, NM_001172087.2); short protein forms N92T.
Identifiers: ClinVar variation 1375390 (VCV001375390.6), dbSNP rs2132044452, ClinGen allele CA371557707.

ClinVar aggregate classification (germline): Uncertain significance (1 of 4 stars; one submission).

Conditions:
Peroxisome biogenesis disorder 5A (Zellweger) (PBD5A). Identifiers: Orphanet 912, MedGen C3553940, MONDO:0013932, OMIM 614866.

Submission:

Labcorp Genetics (formerly Invitae), Labcorp
Classification: Uncertain significance for Peroxisome biogenesis disorder 5A (Zellweger). Last evaluated: 2021-08-16. Review status: criteria provided, single submitter. Criteria: Invitae Variant Classification Sherloc (09022015). Collection method: clinical testing. Allele origin: germline.
Comment: This sequence change replaces asparagine with threonine at codon 92 of the PEX2 protein (p.Asn92Thr). The asparagine residue is weakly conserved and there is a small physicochemical difference between asparagine and threonine. This variant is not present in population databases (ExAC no frequency). This variant has not been reported in the literature in individuals affected with PEX2-related conditions. Algorithms developed to predict the effect of missense changes on protein structure and function output the following: SIFT: "Tolerated"; PolyPhen-2: "Benign"; Align-GVGD: "Class C0". The threonine amino acid residue is found in multiple mammalian species, which suggests that this missense change does not adversely affect protein function. In summary, the available evidence is currently insufficient to determine the role of this variant in disease. Therefore, it has been classified as a Variant of Uncertain Significance.